The following is an entry in ClinVar:

NM_001457.4(FLNB):c.7455C>A (p.Thr2485=)

Genes: FLNB (filamin B; plus strand), FLNB-AS1 (FLNB antisense RNA 1; minus strand). Cytogenetic location: 3p14.3.
Variant type: single nucleotide variant.
Coding change: c.7455C>A on transcript NM_001457.4 (MANE Select); coding-DNA position 7455, C replaced by A.
Protein change: p.Thr2485=; no amino-acid change (threonine 2485 retained).
Molecular consequence: synonymous variant.
Genome position (GRCh38, 1-based): chr3:58,169,627, C>A. VCF-style: chr3-58169627-C-A. GRCh37 (hg19) VCF-style: chr3-58155354-C-A.
Other names: c.7548C>A, p.Thr2516= (NM_001164317.2); c.7422C>A, p.Thr2474= (NM_001164318.2); c.7383C>A, p.Thr2461= (NM_001164319.2).
Identifiers: ClinVar variation 100834 (VCV000100834.2), dbSNP rs483352714, ClinGen allele CA229092.
Genomic context (GRCh38, chr3:58,169,627, plus strand): 5'-TCCCCCTCCCTCCTGTATCTTAGGCCAGCGTCTAGTTAGCCCTGGCTCAGCCAACGAGAC[C>A]TCATCCATCCTGGTGGAGTCAGTGACCAGGTCGTCTACAGAGACCTGCTATAGCGCCATT-3'
Protein context (NP_001448.2, residues 2475-2495): RLVSPGSANE[Thr2485=]SSILVESVTR

ClinVar aggregate classification (germline): Uncertain significance. Review status: no assertion criteria provided (0 of 4 stars). 2 submissions from 1 submitter: Uncertain significance (1). 1 of the submissions does not count toward it.

Submissions (2):

Richard Lifton Laboratory, Yale University School of Medicine
Classification: Uncertain significance. Review status: no assertion criteria provided. Collection method: not provided. Allele origin: somatic.
Comment: FLNB:p.T2485T
ClinVar note: Converted during submission from unknown to Uncertain significance.

Richard Lifton Laboratory, Yale University School of Medicine
Classification: Uncertain significance. Review status: flagged submission. Collection method: not provided. Allele origin: somatic. Not counted in ClinVar's aggregate classification.
ClinVar note: Converted during submission from unknown to Uncertain significance.
ClinVar note: Reason: This record appears to be redundant with a more recent record from the same submitter.
ClinVar note: Notes: SCV000120054 appears to be redundant with SCV000155157.